The following is an entry in ClinVar:

NM_000059.4(BRCA2):c.9414_9417dup (p.Ala3140fs)

Gene: BRCA2 (BRCA2 DNA repair associated; plus strand). Cytogenetic location: 13q13.1.
Variant type: Duplication.
Coding change: c.9414_9417dup on transcript NM_000059.4 (MANE Select); coding-DNA positions 9414 to 9417, 4 bases duplicated (ATTT; older notation c.9414_9417dupATTT).
Protein change: p.Ala3140fs; shifts the reading frame from alanine 3140.
Molecular consequence: frameshift variant. On other transcripts: non-coding transcript variant (1).
Genome position (GRCh38, 1-based): chr13:32,394,846-32,394,849, ATTT duplicated; duplicating any 4 consecutive bases within chr13:32,394,843-32,394,849 gives the same sequence; the c. name uses the placement nearest the transcript's 3' end. VCF-style (leftmost placement, unchanged base first): chr13-32394842-C-CTTTA. GRCh37 (hg19) VCF-style: chr13-32968979-C-CTTTA.
Other names: c.9318_9321dup, p.Ala3108fs (NM_001406719.1); c.9363_9366dup, p.Ala3123fs (NM_001406720.1); c.4482_4485dup, p.Ala1496fs (NM_001406721.1); c.2997_3000dup, p.Ala1001fs (NM_001406722.1); short protein forms A1001fs, A1496fs, A3108fs, A3123fs, A3140fs.
Identifiers: ClinVar variation 2680301 (VCV002680301.2), dbSNP rs2548562367, ClinGen allele CA2695199704.

ClinVar aggregate classification (germline): Likely pathogenic. Review status: criteria provided, multiple submitters, no conflicts (2 of 4 stars). 2 submissions from 2 submitters: Likely pathogenic (2). Last evaluated 2024-04-29.

Conditions:
BRCA2-related disorder. Also called: BRCA2-related condition; BRCA2-related disorders. Identifiers: MedGen CN239275.
Familial cancer of breast. Also called: hereditary breast carcinoma; BREAST CANCER, FAMILIAL; Hereditary breast cancer. Identifiers: Orphanet 227535, MedGen C0346153, MONDO:0016419, OMIM 114480. Disease mechanism: loss of function.

Submissions (2):

Rady Children's Institute for Genomic Medicine, Rady Children's Hospital San Diego
Classification: Likely pathogenic for BRCA2-related disorders. Last evaluated: 2024-04-29. Review status: criteria provided, single submitter. Criteria: ACMG Guidelines, 2015. Collection method: clinical testing. Allele origin: germline. Affected: yes.
Comment: This frameshifting variant in exon 25 of 28 is predicted to result in loss of normal protein function through either protein truncation or nonsense-mediated mRNA decay. Loss-of-function variation in BRCA2 is an established mechanism of disease (PMID: 20301425). This variant has not been previously reported or functionally characterized in the literature to our knowledge. The c.9414_9417dup (p.Ala3140IlefsTer11) variant is absent from the gnomAD v4 population database and thus is presumed to be rare. Based on the available evidence, c.9414_9417dup (p.Ala3140IlefsTer11) is classified as Likely Pathogenic.

Baylor Genetics
Classification: Likely pathogenic for Familial cancer of breast. Last evaluated: 2021-08-26. Review status: criteria provided, single submitter. Criteria: ACMG Guidelines, 2015. Collection method: clinical testing. Allele origin: unknown.